The following is an entry in ClinVar:

NM_001134673.4(NFIA):c.293A>G (p.Lys98Arg)

Gene: NFIA (nuclear factor I A; plus strand). Cytogenetic location: 1p31.3.
Variant type: single nucleotide variant.
Coding change: c.293A>G on transcript NM_001134673.4 (MANE Select); coding-DNA position 293, A replaced by G.
Protein change: p.Lys98Arg; replaces lysine 98 with arginine.
Molecular consequence: missense variant.
Genome position (GRCh38, 1-based): chr1:61,088,414, A>G. VCF-style: chr1-61088414-A-G. GRCh37 (hg19) VCF-style: chr1-61554086-A-G.
Other names: c.269A>G, p.Lys90Arg (NM_001145511.2); c.428A>G, p.Lys143Arg (NM_001145512.2); c.293A>G, p.Lys98Arg (NM_005595.5); short protein forms K143R, K90R, K98R.
Identifiers: ClinVar variation 1805364 (VCV001805364.2), dbSNP rs2524200335, ClinGen allele CA340586716.

ClinVar aggregate classification (germline): Uncertain significance (1 of 4 stars; one submission).

Conditions:
Brain malformations with or without urinary tract defects. Also called: Brain malformations and urinary tract defects. Identifiers: MedGen C4478940, MONDO:0100478, OMIM 613735.

Submission:

Victorian Clinical Genetics Services, Murdoch Childrens Research Institute
Classification: Uncertain significance for Brain malformations with or without urinary tract defects. Last evaluated: 2020-05-25. Review status: criteria provided, single submitter. Criteria: ACMG Guidelines, 2015. Collection method: clinical testing. Allele origin: germline. Inheritance: Autosomal dominant inheritance. Affected: yes.
Comment: Based on the classification scheme VCGS_Germline_v1.1.1, this variant is classified as 3B-VUS. Following criteria are met: 0102 - Loss-of-function is a known mechanism of disease for this gene. (N) 0107 - This gene is known to be associated with autosomal dominant disease. (N) 0200 - Variant is predicted to result in a missense amino acid change from a lysine to an arginine (exon 2). (N) 0251 - Variant is heterozygous. (N) 0301 - Variant is absent from gnomAD. (P) 0309 - An alternative amino acid change to a glutamic acid at the same position has been observed in gnomAD (1 heterozygote, 0 homozygotes). (N) 0502 - Missense variant with conflicting in-silico predictions and uninformative conservation. (N) 0600 - Variant is located in an annotated domain or motif (MH1 domain; NCBI). (N) 0705 - No comparable variants have previous evidence for pathogenicity. (N) 0807 - Variant has not previously been reported in a clinical context. (N) 0905 - No segregation evidence has been identified for this variant. (N) 1007 - No published functional evidence has been identified for this variant. (N) 1208 - Inheritance information for this variant is not currently available. (N) Legend: (P) - Pathogenic, (N) - Neutral, (B) - Benign